The following is an entry in ClinVar:

NM_001101362.3(KBTBD13):c.1361C>T (p.Thr454Ile)

Gene: KBTBD13 (kelch repeat and BTB domain containing 13; plus strand). Cytogenetic location: 15q22.31.
Variant type: single nucleotide variant.
Coding change: c.1361C>T on transcript NM_001101362.3 (MANE Select); coding-DNA position 1361, C replaced by T.
Protein change: p.Thr454Ile; replaces threonine 454 with isoleucine.
Molecular consequence: missense variant.
Genome position (GRCh38, 1-based): chr15:65,078,176, C>T. VCF-style: chr15-65078176-C-T. GRCh37 (hg19) VCF-style: chr15-65370514-C-T.
Other names: short protein forms T454I.
Identifiers: ClinVar variation 2336130 (VCV002336130.5), dbSNP rs765277822, ClinGen allele CA271505027.

ClinVar aggregate classification (germline): Uncertain significance. Review status: criteria provided, multiple submitters, no conflicts (2 of 4 stars). 2 submissions from 2 submitters: Uncertain significance (2). Last evaluated 2023-04-20.

Conditions:
Nemaline myopathy 6 (NEM6). Also called: Nemaline myopathy 6, autosomal dominant. Identifiers: Orphanet 171439, MedGen C1836472, MONDO:0012237, OMIM 609273.
Inborn genetic diseases. Identifiers: MedGen C0950123, MeSH D030342.

Allele frequency attached by ClinVar (database versions not stated): gnomAD exomes below 0.00001.

Submissions (2):

Labcorp Genetics (formerly Invitae), Labcorp
Classification: Uncertain significance for Nemaline myopathy 6. Last evaluated: 2023-04-20. Review status: criteria provided, single submitter. Criteria: Invitae Variant Classification Sherloc (09022015). Collection method: clinical testing. Allele origin: germline.
Comment: The frequency data for this variant in the population databases is considered unreliable, as metrics indicate poor data quality at this position in the gnomAD database. In summary, the available evidence is currently insufficient to determine the role of this variant in disease. Therefore, it has been classified as a Variant of Uncertain Significance. An algorithm developed to predict the effect of missense changes on protein structure and function (PolyPhen-2) suggests that this variant is likely to be tolerated. ClinVar contains an entry for this variant (Variation ID: 2336130). This variant has not been reported in the literature in individuals affected with KBTBD13-related conditions. This sequence change replaces threonine, which is neutral and polar, with isoleucine, which is neutral and non-polar, at codon 454 of the KBTBD13 protein (p.Thr454Ile).

Ambry Genetics
Classification: Uncertain significance for Inborn genetic diseases. Last evaluated: 2022-12-16. Review status: criteria provided, single submitter. Criteria: Ambry Variant Classification Scheme 2023. Collection method: clinical testing. Allele origin: germline.